The following is an entry in ClinVar:

ClinVar aggregate classification (germline): Uncertain significance (1 of 4 stars; one submission).

Allele frequency attached by ClinVar (database versions not stated): gnomAD exomes below 0.00001; gnomAD 0.00001.
gnomAD v4.1: 2 of 1,612,544 alleles (0.00012%); highest among the groups gnomAD compares: Admixed American, 0.0017%; no homozygotes.

Submission:

Labcorp Genetics (formerly Invitae), Labcorp
Classification: Uncertain significance. Last evaluated: 2022-06-10. Review status: criteria provided, single submitter. Criteria: Invitae Variant Classification Sherloc (09022015). Collection method: clinical testing. Allele origin: germline.
Comment: This sequence change replaces methionine, which is neutral and non-polar, with valine, which is neutral and non-polar, at codon 72 of the PEX3 protein (p.Met72Val). This variant is present in population databases (no rsID available, gnomAD 0.003%). This variant has not been reported in the literature in individuals affected with PEX3-related conditions. Algorithms developed to predict the effect of missense changes on protein structure and function are either unavailable or do not agree on the potential impact of this missense change (SIFT: "Deleterious"; PolyPhen-2: "Possibly Damaging"; Align-GVGD: "Class C0"). In summary, the available evidence is currently insufficient to determine the role of this variant in disease. Therefore, it has been classified as a Variant of Uncertain Significance.

NM_003630.3(PEX3):c.214A>G (p.Met72Val)

Gene: PEX3 (peroxisomal biogenesis factor 3; plus strand). Cytogenetic location: 6q24.2.
Variant type: single nucleotide variant.
Coding change: c.214A>G on transcript NM_003630.3 (MANE Select); coding-DNA position 214, A replaced by G.
Protein change: p.Met72Val; replaces methionine 72 with valine.
Molecular consequence: missense variant.
Genome position (GRCh38, 1-based): chr6:143,462,924, A>G. VCF-style: chr6-143462924-A-G. GRCh37 (hg19) VCF-style: chr6-143784061-A-G.
Other names: short protein forms M72V.
Identifiers: ClinVar variation 2004416 (VCV002004416.1), dbSNP rs1173753421, ClinGen allele CA365906347.
Genomic context (GRCh38, chr6:143,462,924, plus strand): 5'-AGGGCAGTCATATCACTTGTGACCTTTTTTATTTTTTTTGTTTGTATTACAGTGCTGTCC[A>G]TGCTTCCAACACTGAGAGAGGCCTTAATGCAGCAACTGAATTCCGAGAGCCTCACAGCTC-3'
Protein context (NP_003621.1, residues 62-82): QRTCNMTVLS[Met72Val]LPTLREALMQ